The following is an entry in ClinVar:

ClinVar aggregate classification (germline): Likely benign (1 of 4 stars; one submission).

gnomAD v4.1: 2 of 1,612,712 alleles (0.00012%); highest among the groups gnomAD compares: Non-Finnish European, 0.00017%; no homozygotes.

Submission:

CeGaT Center for Human Genetics Tuebingen
Classification: Likely benign. Last evaluated: 2026-02-01. Review status: criteria provided, single submitter. Criteria: CeGaT Center For Human Genetics Tuebingen Variant Classification Criteria Version 2. Collection method: clinical testing. Allele origin: germline. Affected: yes. Observed: 1 variant allele.
Comment: GRIN1: BP4, BP7

NM_007327.4(GRIN1):c.1911C>T (p.Ala637=)

Gene: GRIN1 (glutamate ionotropic receptor NMDA type subunit 1; plus strand). Cytogenetic location: 9q34.3.
Variant type: single nucleotide variant.
Coding change: c.1911C>T on transcript NM_007327.4 (MANE Select); coding-DNA position 1911, C replaced by T.
Protein change: p.Ala637=; no amino-acid change (alanine 637 retained).
Molecular consequence: synonymous variant.
Genome position (GRCh38, 1-based): chr9:137,162,637, C>T. VCF-style: chr9-137162637-C-T. GRCh37 (hg19) VCF-style: chr9-140057089-C-T.
Other names: c.1911C>T, p.Ala637= (NM_000832.7, NM_021569.4); c.1974C>T, p.Ala658= (NM_001185090.2, NM_001185091.2, NM_001437330.1 and 1 more transcripts).
Identifiers: ClinVar variation 4821069 (VCV004821069.4).
Genomic context (GRCh38, chr9:137,162,637, plus strand): 5'-CCGCCCGCCCACAGGCGCCCCCAGAAGCTTCTCAGCGCGCATCCTGGGCATGGTGTGGGC[C>T]GGCTTTGCCATGATCATCGTGGCCTCCTACACCGCCAACCTGGCGGCCTTCCTGGTGCTG-3'
Protein context (NP_015566.1, residues 627-647): FSARILGMVW[Ala637=]GFAMIIVASY